The following is an entry in ClinVar:

NM_001006658.3(CR2):c.1618G>T (p.Gly540Trp)

Gene: CR2 (complement C3d receptor 2; plus strand). Cytogenetic location: 1q32.2.
Variant type: single nucleotide variant.
Coding change: c.1618G>T on transcript NM_001006658.3 (MANE Select); coding-DNA position 1618, G replaced by T.
Protein change: p.Gly540Trp; replaces glycine 540 with tryptophan.
Molecular consequence: missense variant.
Genome position (GRCh38, 1-based): chr1:207,472,819, G>T. VCF-style: chr1-207472819-G-T. GRCh37 (hg19) VCF-style: chr1-207646164-G-T.
Other names: c.1618G>T, p.Gly540Trp (NM_001877.5); short protein forms G540W.
Identifiers: ClinVar variation 1470025 (VCV001470025.6), dbSNP rs760957341, ClinGen allele CA1368778.

ClinVar aggregate classification (germline): Uncertain significance. Review status: criteria provided, multiple submitters, no conflicts (2 of 4 stars). 2 submissions from 2 submitters: Uncertain significance (2). Last evaluated 2022-08-16.

Conditions:
Immunodeficiency, common variable, 7. Identifiers: Orphanet 1572, Orphanet 696894, MedGen C3542922, MONDO:0013862, OMIM 614699.

Submissions (2):

Labcorp Genetics (formerly Invitae), Labcorp
Classification: Uncertain significance for Immunodeficiency, common variable, 7. Last evaluated: 2022-08-16. Review status: criteria provided, single submitter. Criteria: Invitae Variant Classification Sherloc (09022015). Collection method: clinical testing. Allele origin: germline.
Comment: This sequence change replaces glycine, which is neutral and non-polar, with tryptophan, which is neutral and slightly polar, at codon 540 of the CR2 protein (p.Gly540Trp). This variant is present in population databases (rs760957341, gnomAD 0.02%). This variant has not been reported in the literature in individuals affected with CR2-related conditions. ClinVar contains an entry for this variant (Variation ID: 1470025). Algorithms developed to predict the effect of missense changes on protein structure and function output the following: SIFT: "Tolerated"; PolyPhen-2: "Benign"; Align-GVGD: "Class C0". The tryptophan amino acid residue is found in multiple mammalian species, which suggests that this missense change does not adversely affect protein function. In summary, the available evidence is currently insufficient to determine the role of this variant in disease. Therefore, it has been classified as a Variant of Uncertain Significance.

Breakthrough Genomics
Classification: Uncertain significance. Review status: criteria provided, single submitter. Criteria: ACMG Guidelines, 2015. Collection method: not provided. Allele origin: germline. Inheritance: Autosomal recessive inheritance. Affected: yes.